The following is an entry in ClinVar:

ClinVar aggregate classification (germline): Uncertain significance. Review status: criteria provided, multiple submitters, no conflicts (2 of 4 stars). 2 submissions from 2 submitters: Uncertain significance (2). Last evaluated 2025-03-28.

Conditions:
Ververi-Brady syndrome. Identifiers: MedGen C4693824, MONDO:0979877, MONDO:0060707.

gnomAD v4.1: 12 of 1,614,082 alleles (0.00074%); highest among the groups gnomAD compares: South Asian, 0.0077%; no homozygotes.

Submissions (2):

GeneDx
Classification: Uncertain significance. Last evaluated: 2025-03-28. Review status: criteria provided, single submitter. Criteria: GeneDx Variant Classification Process June 2021. Collection method: clinical testing. Allele origin: germline. Affected: yes.
Comment: Not observed at significant frequency in large population cohorts (gnomAD); In silico analysis indicates that this missense variant does not alter protein structure/function; Has not been previously published as pathogenic or benign to our knowledge

Revvity Omics, Revvity
Classification: Uncertain significance for Ververi-Brady syndrome 1. Last evaluated: 2025-01-02. Review status: criteria provided, single submitter. Criteria: ACMG Guidelines, 2015. Collection method: clinical testing. Allele origin: germline.

NM_198880.3(QRICH1):c.1024G>A (p.Val342Ile)

Gene: QRICH1 (glutamine rich 1; minus strand). Cytogenetic location: 3p21.31.
Variant type: single nucleotide variant.
Coding change: c.1024G>A on transcript NM_198880.3 (MANE Select); coding-DNA position 1024, G replaced by A.
Protein change: p.Val342Ile; replaces valine 342 with isoleucine.
Molecular consequence: missense variant.
Genome position (GRCh38, 1-based): chr3:49,057,176, C>T on the plus strand (G>A on the coding strand, the complement: QRICH1 is on the minus strand). VCF-style: chr3-49057176-C-T. GRCh37 (hg19) VCF-style: chr3-49094609-C-T.
Other names: c.1024G>A, p.Val342Ile (NM_001320580.2, NM_001320581.2, NM_001320582.2 and 4 more transcripts); short protein forms V342I.
Identifiers: ClinVar variation 4079838 (VCV004079838.2).